The following is an entry in ClinVar:

ClinVar aggregate classification (germline): Pathogenic. Review status: criteria provided, multiple submitters, no conflicts (2 of 4 stars). 2 submissions from 2 submitters: Pathogenic (2). Last evaluated 2024-11-11.

Conditions:
Hereditary cancer-predisposing syndrome. Also called: Hereditary Cancer Syndrome; Hereditary neoplastic syndrome; Neoplastic Syndromes, Hereditary; Tumor predisposition. Identifiers: Orphanet 140162, MedGen C0027672, MeSH D009386, MONDO:0015356.
Oligodontia-cancer predisposition syndrome. Also called: TOOTH AGENESIS-COLORECTAL CANCER SYNDROME. Identifiers: Orphanet 300576, MedGen C1837750, MONDO:0012075, OMIM 608615. Disease mechanism: loss of function.

Allele frequency attached by ClinVar (database versions not stated): gnomAD exomes below 0.00001.

Submissions (2):

Labcorp Genetics (formerly Invitae), Labcorp
Classification: Pathogenic for Oligodontia-cancer predisposition syndrome. Last evaluated: 2024-11-11. Review status: criteria provided, single submitter. Criteria: Invitae Variant Classification Sherloc (09022015). Collection method: clinical testing. Allele origin: germline.
Comment: This sequence change creates a premature translational stop signal (p.Gln436*) in the AXIN2 gene. It is expected to result in an absent or disrupted protein product. Loss-of-function variants in AXIN2 are known to be pathogenic (PMID: 15042511, 21416598). This variant is not present in population databases (gnomAD no frequency). This variant has not been reported in the literature in individuals affected with AXIN2-related conditions. ClinVar contains an entry for this variant (Variation ID: 1769527). For these reasons, this variant has been classified as Pathogenic.

Ambry Genetics
Classification: Pathogenic for Hereditary cancer-predisposing syndrome. Last evaluated: 2020-08-13. Review status: criteria provided, single submitter. Criteria: Ambry Variant Classification Scheme 2023. Collection method: clinical testing. Allele origin: germline.
Comment: The p.Q436* pathogenic mutation (also known as c.1306C>T), located in coding exon 5 of the AXIN2 gene, results from a C to T substitution at nucleotide position 1306. This changes the amino acid from a glutamine to a stop codon within coding exon 5. This alteration is expected to result in loss of function by premature protein truncation or nonsense-mediated mRNA decay. As such, this alteration is interpreted as a disease-causing mutation.

Literature cited by the submitters: PubMed 15042511 (cited by Labcorp Genetics (formerly Invitae), Labcorp); PubMed 21416598 (cited by Labcorp Genetics (formerly Invitae), Labcorp).

NM_004655.4(AXIN2):c.1306C>T (p.Gln436Ter)

Gene: AXIN2 (axin 2; minus strand). Cytogenetic location: 17q24.1.
Variant type: single nucleotide variant.
Coding change: c.1306C>T on transcript NM_004655.4 (MANE Select); coding-DNA position 1306, C replaced by T.
Protein change: p.Gln436Ter; replaces glutamine 436 with a stop codon.
Molecular consequence: nonsense.
Genome position (GRCh38, 1-based): chr17:65,537,730, G>A on the plus strand (C>T on the coding strand, the complement: AXIN2 is on the minus strand). VCF-style: chr17-65537730-G-A. GRCh37 (hg19) VCF-style: chr17-63533848-G-A.
Other names: c.1306C>T, p.Gln436Ter (NM_001363813.1); short protein forms Q436*.
Identifiers: ClinVar variation 1769527 (VCV001769527.4), dbSNP rs2509417045, ClinGen allele CA400677770.